The following is an entry in ClinVar:

ClinVar aggregate classification (germline): Pathogenic/Likely pathogenic. Review status: criteria provided, multiple submitters, no conflicts (2 of 4 stars). 6 submissions from 6 submitters: Pathogenic (1); Likely pathogenic (5). Last evaluated 2025-09-26.

Conditions:
NPC1-related disorder. Also called: NPC1-related condition.
Niemann-Pick disease, type C (NPC). Identifiers: Orphanet 646, MedGen C0220756, MONDO:0018982.
Niemann-Pick disease, type C1. Also called: NIEMANN-PICK DISEASE, VARIANT TYPE C1; NEUROVISCERAL STORAGE DISEASE WITH VERTICAL SUPRANUCLEAR OPHTHALMOPLEGIA; NIEMANN-PICK DISEASE WITH CHOLESTEROL ESTERIFICATION BLOCK; NIEMANN-PICK DISEASE WITHOUT SPHINGOMYELINASE DEFICIENCY; NIEMANN-PICK DISEASE, CHRONIC NEURONOPATHIC FORM. Identifiers: Orphanet 646, MedGen C3179455, MONDO:0009757, OMIM 257220.

Allele frequency attached by ClinVar (database versions not stated): gnomAD exomes below 0.00001; ExAC 0.00001.
gnomAD v4.1: 19 of 1,608,456 alleles (0.0012%); highest among the groups gnomAD compares: Middle Eastern, 0.033%; no homozygotes.

Submissions (6):

Women's Health and Genetics/Laboratory Corporation of America, LabCorp
Classification: Likely pathogenic for Niemann-Pick disease, type C. Last evaluated: 2025-09-26. Review status: criteria provided, single submitter. Criteria: LabCorp Variant Classification Summary - May 2015. Collection method: clinical testing. Allele origin: germline.
Comment: Variant summary: NPC1 c.1672G>A (p.Ala558Thr) results in a non-conservative amino acid change in the encoded protein sequence. Algorithms developed to predict the effect of missense changes on protein structure and function all suggest that this variant is likely to be disruptive. The variant allele was found at a frequency of 4e-06 in 251264 control chromosomes. c.1672G>A has been reported in the literature in individuals affected with Niemann-Pick Disease Type C and and cerebellar ataxia (examples: Connemann_2012, Stampfer_2013, Schicks_2013, and Topcu_2017). These data indicate that the variant may be associated with disease. To our knowledge, no experimental evidence demonstrating an impact on protein function has been reported. The following publications have been ascertained in the context of this evaluation (PMID: 22269206, 23427322, 23433426, 28808920, 39286960, 34426522). ClinVar contains an entry for this variant (Variation ID: 1519574). Based on the evidence outlined above, the variant was classified as likely pathogenic.

3billion
Classification: Likely pathogenic for Niemann-Pick disease, type C1. Last evaluated: 2025-09-02. Review status: criteria provided, single submitter. Criteria: ACMG Guidelines, 2015. Collection method: clinical testing. Allele origin: germline. Affected: yes.
Comment: The variant is observed at an extremely low frequency in the gnomAD v4.1.0 dataset (total allele frequency: 0.001%). Predicted Consequence/Location: Missense variant In silico tool predictions suggest damaging effect of the variant on gene or gene product [REVEL: 0.94 (>=0.6, sensitivity 0.68 and specificity 0.92); 3Cnet: 0.91 (> 0.75, sensitivity 0.96 and precision 0.92)]. The same nucleotide change resulting in the same amino acid change has been previously reported as pathogenic/likely pathogenic with strong evidence (ClinVar ID: VCV001519574 /PMID: 22269206).A different missense change at the same codon (p.Ala558Val) has been reported to be associated with NPC1-related disorder (PMID: 32289814). Therefore, this variant is classified as Likely pathogenic according to the recommendation of ACMG/AMP guideline.

Natera, Inc.
Classification: Likely pathogenic for Niemann-Pick disease type C1. Last evaluated: 2025-05-09. Review status: criteria provided, single submitter. Criteria: Natera Variant Classification Schema (03/2026). Collection method: clinical testing. Allele origin: germline.
Comment: The c.1672G>A variant in NPC1 is a missense variant predicted to cause substitution of alanine to threonine at amino acid 558. This variant is rare in the general population with a frequency below the threshold expected for the associated phenotype(s). This variant has been observed in one or more individuals affected with the associated recessive disease, as either homozygous or compound heterozygous with a second variant (PMID: 23427322, 22269206, 32258235). Additionally, this variant has been observed to segregate in affected family members (PMID: 32258235). Computational prediction algorithms indicate this variant is likely to affect gene or protein function. Given the available evidence, this variant is classified as Likely Pathogenic.

Labcorp Genetics (formerly Invitae), Labcorp
Classification: Pathogenic for Niemann-Pick disease, type C1. Last evaluated: 2025-03-05. Review status: criteria provided, single submitter. Criteria: Invitae Variant Classification Sherloc (09022015). Collection method: clinical testing. Allele origin: germline.
Comment: This sequence change replaces alanine, which is neutral and non-polar, with threonine, which is neutral and polar, at codon 558 of the NPC1 protein (p.Ala558Thr). This variant is present in population databases (rs201156397, gnomAD 0.003%). This missense change has been observed in individual(s) with Niemann-Pick disease type C (PMID: 22269206, 23427322). ClinVar contains an entry for this variant (Variation ID: 1519574). Invitae Evidence Modeling of protein sequence and biophysical properties (such as structural, functional, and spatial information, amino acid conservation, physicochemical variation, residue mobility, and thermodynamic stability) indicates that this missense variant is expected to disrupt NPC1 protein function with a positive predictive value of 95%. This variant disrupts the p.Ala558 amino acid residue in NPC1. Other variant(s) that disrupt this residue have been observed in individuals with NPC1-related conditions (PMID: 32289814), which suggests that this may be a clinically significant amino acid residue. For these reasons, this variant has been classified as Pathogenic.

PreventionGenetics, part of Exact Sciences
Classification: Likely pathogenic for NPC1-related condition. Last evaluated: 2024-11-15. Review status: criteria provided, single submitter. Criteria: ACMG Guidelines, 2015. Collection method: clinical testing. Allele origin: germline.
Comment: The NPC1 c.1672G>A variant is predicted to result in the amino acid substitution p.Ala558Thr. This variant has been reported with a truncating variant in unrelated individuals with Niemann-Pick disease, type C (NPC) and biochemical analysis confirmed the diagnosis (Connemann et al. 2012. PubMed ID: 22269206; Schicks et al. 2013. PubMed ID: 23427322; Rodriguez-Quiroga et al. 2020. PubMed ID: 32258235). This variant is reported in one individual (0.0033% of alleles) of South Asian descent in gnomAD. Different missense changes impacting the same amino acid (p.Ala558Ser, p.Ala558Val) have been reported in an individual with progressive supranuclear palsy and in the compound heterozygous state in an individual with NPC, respectively (Zech et al. 2013. PubMed ID: 24386122; Dong et al. 2021. PubMed ID: 32289814). The c.1672G>A variant is interpreted as likely pathogenic.

Revvity Omics, Revvity
Classification: Likely pathogenic for Niemann-Pick disease, type C1. Last evaluated: 2022-07-06. Review status: criteria provided, single submitter. Criteria: ACMG Guidelines, 2015. Collection method: clinical testing. Allele origin: germline.

Literature cited by the submitters: PubMed 23433426 (cited by Women's Health and Genetics/Laboratory Corporation of America, LabCorp); PubMed 28808920 (cited by Women's Health and Genetics/Laboratory Corporation of America, LabCorp); PubMed 34426522 (cited by Women's Health and Genetics/Laboratory Corporation of America, LabCorp); PubMed 22269206 (cited by 4 submitters); PubMed 23427322 (cited by 3 submitters); PubMed 39286960 (cited by Women's Health and Genetics/Laboratory Corporation of America, LabCorp); PubMed 32289814 (cited by 3billion and Labcorp Genetics (formerly Invitae), Labcorp); PubMed 32258235 (cited by Natera, Inc.).

NM_000271.5(NPC1):c.1672G>A (p.Ala558Thr)

Gene: NPC1 (NPC intracellular cholesterol transporter 1; minus strand). Cytogenetic location: 18q11.2.
Variant type: single nucleotide variant.
Coding change: c.1672G>A on transcript NM_000271.5 (MANE Select); coding-DNA position 1672, G replaced by A.
Protein change: p.Ala558Thr; replaces alanine 558 with threonine.
Molecular consequence: missense variant.
Genome position (GRCh38, 1-based): chr18:23,548,091, C>T on the plus strand (G>A on the coding strand, the complement: NPC1 is on the minus strand). VCF-style: chr18-23548091-C-T. GRCh37 (hg19) VCF-style: chr18-21128055-C-T.
Other names: c.1672G>A (NM_000271.4); short protein forms A558T.
Identifiers: ClinVar variation 1519574 (VCV001519574.13), dbSNP rs201156397, ClinGen allele CA8913395.